The following is an entry in ClinVar:

ClinVar aggregate classification (germline): Uncertain significance. Review status: criteria provided, multiple submitters, no conflicts (2 of 4 stars). 4 submissions from 4 submitters: Uncertain significance (4). Last evaluated 2024-07-01.

Conditions:
Dyskeratosis congenita. Identifiers: Orphanet 1775, MedGen C0265965, MONDO:0015780.

Allele frequency attached by ClinVar (database versions not stated): gnomAD 0.00003 and 0.00002; gnomAD exomes below 0.00001 and 0.00001; TOPMed 0.00002.

Submissions (4):

CeGaT Center for Human Genetics Tuebingen
Classification: Uncertain significance. Last evaluated: 2024-07-01. Review status: criteria provided, single submitter. Criteria: CeGaT Center For Human Genetics Tuebingen Variant Classification Criteria Version 2. Collection method: clinical testing. Allele origin: germline. Affected: yes. Observed: 1 variant allele.
Comment: TINF2: PM2:Supporting, BP4

Labcorp Genetics (formerly Invitae), Labcorp
Classification: Uncertain significance for Dyskeratosis congenita. Last evaluated: 2024-04-15. Review status: criteria provided, single submitter. Criteria: Invitae Variant Classification Sherloc (09022015). Collection method: clinical testing. Allele origin: germline.
Comment: This sequence change replaces lysine, which is basic and polar, with arginine, which is basic and polar, at codon 101 of the TINF2 protein (p.Lys101Arg). This variant is present in population databases (no rsID available, gnomAD 0.007%). This variant has not been reported in the literature in individuals affected with TINF2-related conditions. ClinVar contains an entry for this variant (Variation ID: 529182). An algorithm developed to predict the effect of missense changes on protein structure and function (PolyPhen-2) suggests that this variant is likely to be disruptive. In summary, the available evidence is currently insufficient to determine the role of this variant in disease. Therefore, it has been classified as a Variant of Uncertain Significance.

GeneDx
Classification: Uncertain significance. Last evaluated: 2023-09-21. Review status: criteria provided, single submitter. Criteria: GeneDx Variant Classification Process June 2021. Collection method: clinical testing. Allele origin: germline. Affected: yes.
Comment: In silico analysis supports that this missense variant does not alter protein structure/function; Has not been previously published as pathogenic or benign to our knowledge

Sema4
Classification: Uncertain significance for Dyskeratosis congenita. Last evaluated: 2021-07-16. Review status: criteria provided, single submitter. Criteria: Sema4 Curation Guidelines. Collection method: curation. Allele origin: germline.
Comment: The TINF2 c.302A>G (p.K101R) variant has not been reported in the literature to our knowledge. It was observed in 2/280216 chromosomes in the large and broad cohorts of the Genome Aggregation Database (PMID: 32461654). The variant has been reported in ClinVar (Variation ID 529182). In silico tools suggest the impact of the variant on protein function is benign, though these predictions have not been confirmed by functional studies. The evidence is insufficient to meet ACMG/AMP criteria for classifying the variant as benign or pathogenic. Thus, the clinical significance of this variant is currently uncertain.

NM_001099274.3(TINF2):c.302A>G (p.Lys101Arg)

Gene: TINF2 (TERF1 interacting nuclear factor 2; minus strand). Cytogenetic location: 14q12.
Variant type: single nucleotide variant.
Coding change: c.302A>G on transcript NM_001099274.3 (MANE Select); coding-DNA position 302, A replaced by G.
Protein change: p.Lys101Arg; replaces lysine 101 with arginine.
Molecular consequence: missense variant.
Genome position (GRCh38, 1-based): chr14:24,241,772, T>C on the plus strand (A>G on the coding strand, the complement: TINF2 is on the minus strand). VCF-style: chr14-24241772-T-C. GRCh37 (hg19) VCF-style: chr14-24710978-T-C.
Other names: c.197A>G, p.Lys66Arg (NM_001363668.2); c.302A>G, p.Lys101Arg (NM_012461.3); short protein forms K101R, K66R.
Identifiers: ClinVar variation 529182 (VCV000529182.31), dbSNP rs1375036989, ClinGen allele CA389233514.
Genomic context (GRCh38, chr14:24,241,772, plus strand): 5'-AGCTGCTTCACCTGCTGGTAAAAAGTTTCCTGTGCCTCCAAAATCTTCCTCAGATCCTGC[T>C]TTGTCTGTTGAGGATACAGAAGACAGAGAAGTTAGCACCAACATCCAGTAGACAGGAGGA-3'
Protein context (NP_001092744.1, residues 91-111): GPIVRDPKAT[Lys101Arg]QDLRKILEAQ